The following is an entry in ClinVar:

ClinVar aggregate classification (germline): Uncertain significance (1 of 4 stars; one submission).

Conditions:
Epidermolysis bullosa simplex, Ogna type (EBS5A). Also called: Pidermolysis bullosa simplex 5A, Ogna type; EPIDERMOLYSIS BULLOSA SIMPLEX 5A, OGNA TYPE. Identifiers: Orphanet 79401, MedGen C0432317, MONDO:0007555, OMIM 131950.
Autosomal recessive limb-girdle muscular dystrophy type 2Q (LGMDR17). Also called: MUSCULAR DYSTROPHY, LIMB-GIRDLE, AUTOSOMAL RECESSIVE 17. Identifiers: Orphanet 254361, MedGen C3150989, MONDO:0013390, OMIM 613723.
Epidermolysis bullosa simplex with nail dystrophy (EBS5D). Identifiers: MedGen C4225309, MONDO:0014661, OMIM 616487.
Epidermolysis bullosa simplex 5B, with muscular dystrophy (EBS5B). Also called: Epidermolysis bullosa simplex with muscular dystrophy; EPIDERMOLYSIS BULLOSA SIMPLEX AND LIMB-GIRDLE MUSCULAR DYSTROPHY. Identifiers: Orphanet 257, MedGen C2931072, MONDO:0009181, OMIM 226670.
Epidermolysis bullosa simplex 5C, with pyloric atresia (EBS5C). Also called: PLEC-Related Epidermolysis Bullosa with Pyloric Atresia; Epidermolysis bullosa simplex with pyloric atresia; PLEC1-Related Epidermolysis Bullosa with Pyloric Atresia. Identifiers: Orphanet 158684, MedGen C2677349, MONDO:0012807, OMIM 612138.

Allele frequency attached by ClinVar (database versions not stated): ExAC 0.00002; TOPMed 0.00002; gnomAD 0.00003; gnomAD exomes 0.00003.
gnomAD v4.1: 44 of 1,611,786 alleles (0.0027%); highest among the groups gnomAD compares: Middle Eastern, 0.016%; no homozygotes.

Submission:

Labcorp Genetics (formerly Invitae), Labcorp
Classification: Uncertain significance for Autosomal recessive limb-girdle muscular dystrophy type 2Q; Epidermolysis bullosa simplex, Ogna type; Epidermolysis bullosa simplex with nail dystrophy; Epidermolysis bullosa simplex 5C, with pyloric atresia; Epidermolysis bullosa simplex 5B, with muscular dystrophy. Last evaluated: 2026-01-07. Review status: criteria provided, single submitter. Criteria: Invitae Variant Classification Sherloc (09022015). Collection method: clinical testing. Allele origin: germline.
Comment: This sequence change replaces proline, which is neutral and non-polar, with leucine, which is neutral and non-polar, at codon 2940 of the PLEC protein (p.Pro2940Leu). This variant is present in population databases (rs782043368, gnomAD 0.01%). This variant has not been reported in the literature in individuals affected with PLEC-related conditions. ClinVar contains an entry for this variant (Variation ID: 644314). An algorithm developed to predict the effect of missense changes on protein structure and function (PolyPhen-2) suggests that this variant is likely to be disruptive. In summary, the available evidence is currently insufficient to determine the role of this variant in disease. Therefore, it has been classified as a Variant of Uncertain Significance.

NM_201384.3(PLEC):c.8738C>T (p.Pro2913Leu)

Gene: PLEC (plectin; minus strand). Cytogenetic location: 8q24.3.
Variant type: single nucleotide variant.
Coding change: c.8738C>T on transcript NM_201384.3 (MANE Select); coding-DNA position 8738, C replaced by T.
Protein change: p.Pro2913Leu; replaces proline 2913 with leucine.
Molecular consequence: missense variant.
Genome position (GRCh38, 1-based): chr8:143,921,083, G>A on the plus strand (C>T on the coding strand, the complement: PLEC is on the minus strand). VCF-style: chr8-143921083-G-A. GRCh37 (hg19) VCF-style: chr8-144995251-G-A.
Other names: c.8819C>T, p.Pro2940Leu (NM_000445.5); c.8696C>T, p.Pro2899Leu (NM_201378.4); c.8672C>T, p.Pro2891Leu (NM_201379.3); c.9149C>T, p.Pro3050Leu (NM_201380.4); c.8642C>T, p.Pro2881Leu (NM_201381.3); c.8738C>T, p.Pro2913Leu (NM_201382.4); c.8750C>T, p.Pro2917Leu (NM_201383.3); short protein forms P2881L, P2913L, P3050L, P2940L, P2891L, P2899L, P2917L.
Identifiers: ClinVar variation 644314 (VCV000644314.8), dbSNP rs782043368, ClinGen allele CA4925203.
Genomic context (GRCh38, chr8:143,921,083, plus strand): 5'-AAGTATTCCGAGTTGATGATCTCCCAAATGGTCACCGTCTTGCCCTGGAACTTGCCGAAC[G>A]GCGCAGACACGGTGGCCTTCTCAAAGACGTCCCGGGCCTCGGAGTCAGTGTAGACCAGCT-3'
Protein context (NP_958786.1, residues 2903-2923): DVFEKATVSA[Pro2913Leu]FGKFQGKTVT